The following is an entry in ClinVar:

ClinVar aggregate classification (germline): Benign/Likely benign. Review status: criteria provided, multiple submitters, no conflicts (2 of 4 stars). 4 submissions from 4 submitters: Benign (1); Likely benign (2). 1 of the submissions does not count toward it. Last evaluated 2023-11-30.

Conditions:
CACNB4-related disorder. Also called: CACNB4-Related Disorders; CACNB4-related condition.
Idiopathic generalized epilepsy. Also called: EIG; Generalised epilepsy. Identifiers: MedGen C0270850, MONDO:0005579, OMIM 600669.

Allele frequency attached by ClinVar (database versions not stated): TOPMed 0.00007; ESP Exome Variant Server 0.00008.
gnomAD v4.1: 37 of 1,613,608 alleles (0.0023%); highest among the groups gnomAD compares: Admixed American, 0.01%; no homozygotes.

Submissions (4):

Blueprint Genetics
Classification: Likely benign. Last evaluated: 2023-11-30. Review status: criteria provided, single submitter. Criteria: ACMG Guidelines, 2015. Collection method: clinical testing. Allele origin: germline.

Labcorp Genetics (formerly Invitae), Labcorp
Classification: Likely benign for Idiopathic generalized epilepsy. Last evaluated: 2019-12-15. Review status: criteria provided, single submitter. Criteria: Invitae Variant Classification Sherloc (09022015). Collection method: clinical testing. Allele origin: germline.

Athena Diagnostics
Classification: Benign. Last evaluated: 2017-05-05. Review status: criteria provided, single submitter. Criteria: Athena Diagnostics Criteria. Collection method: clinical testing. Allele origin: germline.

PreventionGenetics, part of Exact Sciences
Classification: Likely benign for CACNB4-related condition. Last evaluated: 2019-02-25. Review status: no assertion criteria provided. Collection method: clinical testing. Allele origin: germline. Not counted in ClinVar's aggregate classification.
Comment: This variant is classified as likely benign based on ACMG/AMP sequence variant interpretation guidelines (Richards et al. 2015 PMID: 25741868, with internal and published modifications).

NM_000726.5(CACNB4):c.1191G>A (p.Ala397=)

Gene: CACNB4 (calcium voltage-gated channel auxiliary subunit beta 4; minus strand). Cytogenetic location: 2q23.3.
Variant type: single nucleotide variant.
Coding change: c.1191G>A on transcript NM_000726.5 (MANE Select); coding-DNA position 1191, G replaced by A.
Protein change: p.Ala397=; no amino-acid change (alanine 397 retained).
Molecular consequence: synonymous variant. On other transcripts: intron variant (1).
Genome position (GRCh38, 1-based): chr2:151,842,014, C>T on the plus strand (G>A on the coding strand, the complement: CACNB4 is on the minus strand). VCF-style: chr2-151842014-C-T. GRCh37 (hg19) VCF-style: chr2-152698528-C-T.
Other names: c.1137G>A, p.Ala379= (NM_001005746.4); c.1089G>A, p.Ala363= (NM_001005747.4); c.1050G>A, p.Ala350= (NM_001320722.3, NM_001330118.2); c.948G>A, p.Ala316= (NM_001330113.2); c.537G>A, p.Ala179= (NM_001330114.2); c.900G>A, p.Ala300= (NM_001330115.2); c.861G>A, p.Ala287= (NM_001330116.2); c.633G>A, p.Ala211= (NM_001330117.2); and 1 more.
Identifiers: ClinVar variation 446966 (VCV000446966.10), dbSNP rs369276166, ClinGen allele CA1912388.
Genomic context (GRCh38, chr2:151,842,014, plus strand): 5'-ATTCCTTCCCAGCAGCGGGGTCATGGGTGTGCTACTGGTTGTGTGGGTGGCACGCCAGTA[C>T]GCCTCCAGGTACTCCCCTAGATGTTCACATGCATCCTCAAGCTGATTTTCATCCAATATA-3'
Protein context (NP_000717.2, residues 387-407): ACEHLGEYLE[Ala397=]YWRATHTTSS